The following is an entry in ClinVar:

NM_032888.4(COL27A1):c.2724C>T (p.Pro908=)

Gene: COL27A1 (collagen type XXVII alpha 1 chain; plus strand). Cytogenetic location: 9q32.
Variant type: single nucleotide variant.
Coding change: c.2724C>T on transcript NM_032888.4 (MANE Select); coding-DNA position 2724, C replaced by T.
Protein change: p.Pro908=; no amino-acid change (proline 908 retained).
Molecular consequence: synonymous variant.
Genome position (GRCh38, 1-based): chr9:114,237,712, C>T. VCF-style: chr9-114237712-C-T. GRCh37 (hg19) VCF-style: chr9-116999992-C-T.
Identifiers: ClinVar variation 742065 (VCV000742065.14), dbSNP rs142957409, ClinGen allele CA5202036.

ClinVar aggregate classification (germline): Likely benign. Review status: criteria provided, multiple submitters, no conflicts (2 of 4 stars). 3 submissions from 3 submitters: Likely benign (2). 1 of the submissions does not count toward it. Last evaluated 2025-11-18.

Conditions:
COL27A1-related disorder. Also called: COL27A1-related condition.

Allele frequency attached by ClinVar (database versions not stated): gnomAD exomes 0.00008; ExAC 0.00009; 1000 Genomes Project 30x 0.00016; 1000 Genomes Project 0.00020; TOPMed 0.00034; gnomAD 0.00035 and 0.00038; ESP Exome Variant Server 0.00038.
gnomAD v4.1: 102 of 1,613,706 alleles (0.0063%); highest among the groups gnomAD compares: African/African-American, 0.12%; no homozygotes.

Submissions (3):

Labcorp Genetics (formerly Invitae), Labcorp
Classification: Likely benign. Last evaluated: 2025-11-18. Review status: criteria provided, single submitter. Criteria: Invitae Variant Classification Sherloc (09022015). Collection method: clinical testing. Allele origin: germline.

Breakthrough Genomics
Classification: Likely benign. Review status: criteria provided, single submitter. Criteria: ACMG Guidelines, 2015. Collection method: not provided. Allele origin: germline. Inheritance: Autosomal recessive inheritance. Affected: yes.

PreventionGenetics, part of Exact Sciences
Classification: Likely benign for COL27A1-related condition. Last evaluated: 2019-07-30. Review status: no assertion criteria provided. Collection method: clinical testing. Allele origin: germline. Not counted in ClinVar's aggregate classification.
Comment: This variant is classified as likely benign based on ACMG/AMP sequence variant interpretation guidelines (Richards et al. 2015 PMID: 25741868, with internal and published modifications).